The following is an entry in ClinVar:

ClinVar aggregate classification (germline): Uncertain significance. Review status: criteria provided, multiple submitters, no conflicts (2 of 4 stars). 2 submissions from 2 submitters: Uncertain significance (2). Last evaluated 2025-01-16.

Allele frequency attached by ClinVar (database versions not stated): TOPMed 0.00005; gnomAD 0.00003; ExAC 0.00009.
gnomAD v4.1: 39 of 1,612,810 alleles (0.0024%); highest among the groups gnomAD compares: Admixed American, 0.042%; no homozygotes.

Submissions (2):

Ambry Genetics
Classification: Uncertain significance. Last evaluated: 2025-01-16. Review status: criteria provided, single submitter. Criteria: Ambry Variant Classification Scheme 2023. Collection method: clinical testing. Allele origin: germline.

Labcorp Genetics (formerly Invitae), Labcorp
Classification: Uncertain significance. Last evaluated: 2022-09-06. Review status: criteria provided, single submitter. Criteria: Invitae Variant Classification Sherloc (09022015). Collection method: clinical testing. Allele origin: germline.
Comment: This variant has not been reported in the literature in individuals affected with SLC22A4-related conditions. Algorithms developed to predict the effect of missense changes on protein structure and function (SIFT, PolyPhen-2, Align-GVGD) all suggest that this variant is likely to be tolerated. In summary, the available evidence is currently insufficient to determine the role of this variant in disease. Therefore, it has been classified as a Variant of Uncertain Significance. This variant is present in population databases (rs750523509, gnomAD 0.05%). This sequence change replaces phenylalanine, which is neutral and non-polar, with leucine, which is neutral and non-polar, at codon 313 of the SLC22A4 protein (p.Phe313Leu).

NM_003059.3(SLC22A4):c.937T>C (p.Phe313Leu)

Genes: MIR3936HG (MIR3936 host gene; minus strand), SLC22A4 (solute carrier family 22 member 4; plus strand). Cytogenetic location: 5q31.1.
Variant type: single nucleotide variant.
Coding change: c.937T>C on transcript NM_003059.3 (MANE Select); coding-DNA position 937, T replaced by C.
Protein change: p.Phe313Leu; replaces phenylalanine 313 with leucine.
Molecular consequence: missense variant.
Genome position (GRCh38, 1-based): chr5:132,327,389, T>C. VCF-style: chr5-132327389-T-C. GRCh37 (hg19) VCF-style: chr5-131663082-T-C.
Other names: c.937T>C (NM_003059.2); short protein forms F313L.
Identifiers: ClinVar variation 2047095 (VCV002047095.5), dbSNP rs750523509, ClinGen allele CA3403551.
Genomic context (GRCh38, chr5:132,327,389, plus strand): 5'-GCTGAAGATATCATCCAAAAAGCTGCAAAAATGAACAACATAGCTGTACCAGCAGTGATA[T>C]TTGATTCTGTGGAGGTAAGCATTTGCAGATGTTTCCTCTTGAGATCAGCTATGCATTCTT-3'
Protein context (NP_003050.2, residues 303-323): MNNIAVPAVI[Phe313Leu]DSVEELNPLK